The following is an entry in ClinVar:

ClinVar aggregate classification (germline): Uncertain significance. Review status: criteria provided, single submitter (1 of 4 stars). 2 submissions from 2 submitters: Uncertain significance (1). 1 of the submissions does not count toward it. Last evaluated 2012-05-21.

Conditions:
Left ventricular noncompaction cardiomyopathy. Also called: left ventricular non-compaction cardiomyopathy. Identifiers: MedGen C4021133, HP:0011664.

Submissions (2):

GeneDx
Classification: Uncertain significance. Last evaluated: 2012-05-21. Review status: criteria provided, single submitter. Criteria: GeneDx Variant Classification (06012015). Collection method: clinical testing. Allele origin: germline. Affected: yes.
Comment: p.Glu344Gln (GAG>CAG): c.1030 G>C in exon 12 of the MYH7 gene (NM_000257.2). The Glu344Gln variant in the MYH7 gene has not been reported previously as a disease-causing mutation nor as a benign polymorphism, to our knowledge. Glu344Gln results in a non-conservative amino acid substitution of a negatively charged Glutamic acid with a neutral, polar Glutamine at a residue that is conserved across mammal species. The NHLBI ESP Exome Variant Server reports Glu344Gln was not observed in approximately 5,000 samples from individuals of European and African American backgrounds, indicating it is not a common benign variant in these populations. However, data from ethnically-matched controls were not available to assess for a population-specific benign polymorphism. In summary, the clinical significance of the Glu344Gln variant in the MYH7 gene is currently unknown. The variant is found in DCM panel(s).

Clinical Molecular Genetics Laboratory, Johns Hopkins All Children's Hospital
Classification: Uncertain significance for Left ventricular noncompaction cardiomyopathy. Last evaluated: 2016-03-22. Review status: no assertion criteria provided. Collection method: clinical testing. Allele origin: germline. Affected: yes. Not counted in ClinVar's aggregate classification.

NM_000257.4(MYH7):c.1030G>C (p.Glu344Gln)

Gene: MYH7 (myosin heavy chain 7; minus strand). Cytogenetic location: 14q11.2.
Variant type: single nucleotide variant.
Coding change: c.1030G>C on transcript NM_000257.4 (MANE Select); coding-DNA position 1030, G replaced by C.
Protein change: p.Glu344Gln; replaces glutamic acid 344 with glutamine.
Molecular consequence: missense variant.
Genome position (GRCh38, 1-based): chr14:23,429,883, C>G on the plus strand (G>C on the coding strand, the complement: MYH7 is on the minus strand). VCF-style: chr14-23429883-C-G. GRCh37 (hg19) VCF-style: chr14-23899092-C-G.
Other names: p.E344Q:GAG>CAG; c.1030G>C (LRG_384t1); short protein forms E344Q.
Identifiers: ClinVar variation 181333 (VCV000181333.2), dbSNP rs730880862, ClinGen allele CA010078.